The following is an entry in ClinVar:

NM_001182.5(ALDH7A1):c.621C>T (p.Ile207=)

Gene: ALDH7A1 (aldehyde dehydrogenase 7 family member A1; minus strand). Cytogenetic location: 5q23.2.
Variant type: single nucleotide variant.
Coding change: c.621C>T on transcript NM_001182.5 (MANE Select); coding-DNA position 621, C replaced by T.
Protein change: p.Ile207=; no amino-acid change (isoleucine 207 retained).
Molecular consequence: synonymous variant.
Genome position (GRCh38, 1-based): chr5:126,577,108, G>A on the plus strand (C>T on the coding strand, the complement: ALDH7A1 is on the minus strand). VCF-style: chr5-126577108-G-A. GRCh37 (hg19) VCF-style: chr5-125912800-G-A.
Other names: c.537C>T, p.Ile179= (NM_001201377.2); c.621C>T, p.Ile207= (NM_001202404.2).
Identifiers: ClinVar variation 668176 (VCV000668176.10), dbSNP rs758236544, ClinGen allele CA3389721.

ClinVar aggregate classification (germline): Likely benign. Review status: criteria provided, multiple submitters, no conflicts (2 of 4 stars). 3 submissions from 3 submitters: Likely benign (3). Last evaluated 2026-01-26.

Conditions:
Pyridoxine-dependent epilepsy (EPEO4). Also called: Pyridoxine-Dependent Seizures; EPILEPSY, EARLY-ONSET, 4, VITAMIN B6-DEPENDENT; PYRIDOXINE DEPENDENCY WITH SEIZURES; Pyridoxine-Dependent Epilepsy - ALDH7A1. Identifiers: Orphanet 3006, MedGen C1849508, MONDO:0009945, OMIM 266100. Disease mechanism: loss of function.

Allele frequency attached by ClinVar (database versions not stated): gnomAD exomes 0.00003; TOPMed 0.00002; gnomAD 0.00001; ExAC 0.00004.
gnomAD v4.1: 51 of 1,614,152 alleles (0.0032%); highest among the groups gnomAD compares: Middle Eastern, 0.017%; no homozygotes.

Submissions (3):

Labcorp Genetics (formerly Invitae), Labcorp
Classification: Likely benign for Pyridoxine-dependent epilepsy. Last evaluated: 2026-01-26. Review status: criteria provided, single submitter. Criteria: Invitae Variant Classification Sherloc (09022015). Collection method: clinical testing. Allele origin: germline.

Genome-Nilou Lab
Classification: Likely benign for Pyridoxine-dependent epilepsy. Last evaluated: 2023-04-11. Review status: criteria provided, single submitter. Criteria: ACMG Guidelines, 2015. Collection method: clinical testing. Allele origin: germline. Affected: no.

GeneDx
Classification: Likely benign. Last evaluated: 2018-03-23. Review status: criteria provided, single submitter. Criteria: GeneDx Variant Classification (06012015). Collection method: clinical testing. Allele origin: germline. Affected: yes.
Comment: This variant is considered likely benign or benign based on one or more of the following criteria: it is a conservative change, it occurs at a poorly conserved position in the protein, it is predicted to be benign by multiple in silico algorithms, and/or has population frequency not consistent with disease.